The following is an entry in ClinVar:

ClinVar aggregate classification (germline): Uncertain significance. Review status: criteria provided, multiple submitters, no conflicts (2 of 4 stars). 2 submissions from 2 submitters: Uncertain significance (2). Last evaluated 2025-08-31.

Conditions:
Inborn genetic diseases. Identifiers: MedGen C0950123, MeSH D030342.
Spastic paraplegia. Identifiers: MedGen C0037772, HP:0001258.

Allele frequency attached by ClinVar (database versions not stated): gnomAD 0.00003; TOPMed 0.00003; ESP Exome Variant Server 0.00008; gnomAD exomes below 0.00001.
gnomAD v4.1: 8 of 1,614,096 alleles (0.0005%); highest among the groups gnomAD compares: African/African-American, 0.0067%; no homozygotes.

Submissions (2):

Ambry Genetics
Classification: Uncertain significance for Inborn genetic diseases. Last evaluated: 2025-08-31. Review status: criteria provided, single submitter. Criteria: Ambry Variant Classification Scheme 2023. Collection method: clinical testing. Allele origin: germline.

Labcorp Genetics (formerly Invitae), Labcorp
Classification: Uncertain significance for Spastic paraplegia. Last evaluated: 2022-08-25. Review status: criteria provided, single submitter. Criteria: Invitae Variant Classification Sherloc (09022015). Collection method: clinical testing. Allele origin: germline.
Comment: This sequence change replaces serine, which is neutral and polar, with asparagine, which is neutral and polar, at codon 676 of the ZFYVE26 protein (p.Ser676Asn). This variant is present in population databases (rs139868153, gnomAD 0.01%). This variant has not been reported in the literature in individuals affected with ZFYVE26-related conditions. Algorithms developed to predict the effect of missense changes on protein structure and function output the following: SIFT: "Tolerated"; PolyPhen-2: "Benign"; Align-GVGD: "Class C0". The asparagine amino acid residue is found in multiple mammalian species, which suggests that this missense change does not adversely affect protein function. In summary, the available evidence is currently insufficient to determine the role of this variant in disease. Therefore, it has been classified as a Variant of Uncertain Significance.

NM_015346.4(ZFYVE26):c.2027G>A (p.Ser676Asn)

Gene: ZFYVE26 (zinc finger FYVE-type containing 26; minus strand). Cytogenetic location: 14q24.1.
Variant type: single nucleotide variant.
Coding change: c.2027G>A on transcript NM_015346.4 (MANE Select); coding-DNA position 2027, G replaced by A.
Protein change: p.Ser676Asn; replaces serine 676 with asparagine.
Molecular consequence: missense variant.
Genome position (GRCh38, 1-based): chr14:67,798,235, C>T on the plus strand (G>A on the coding strand, the complement: ZFYVE26 is on the minus strand). VCF-style: chr14-67798235-C-T. GRCh37 (hg19) VCF-style: chr14-68264952-C-T.
Other names: c.2027G>A (NM_015346.3); short protein forms S676N.
Identifiers: ClinVar variation 2070697 (VCV002070697.2), dbSNP rs139868153, ClinGen allele CA262868021.